The following is an entry in ClinVar:

NM_000193.4(SHH):c.212A>G (p.Glu71Gly)

Gene: SHH (sonic hedgehog signaling molecule; minus strand). Cytogenetic location: 7q36.3.
Variant type: single nucleotide variant.
Coding change: c.212A>G on transcript NM_000193.4 (MANE Select); coding-DNA position 212, A replaced by G.
Protein change: p.Glu71Gly; replaces glutamic acid 71 with glycine.
Molecular consequence: missense variant.
Genome position (GRCh38, 1-based): chr7:155,811,911, T>C on the plus strand (A>G on the coding strand, the complement: SHH is on the minus strand). VCF-style: chr7-155811911-T-C. GRCh37 (hg19) VCF-style: chr7-155604605-T-C.
Other names: short protein forms E71G.
Identifiers: ClinVar variation 1810112 (VCV001810112.2), dbSNP rs1803531721, ClinGen allele CA370151487.

ClinVar aggregate classification (germline): Uncertain significance (1 of 4 stars; one submission).

Allele frequency attached by ClinVar (database versions not stated): TOPMed below 0.00001.

Submission:

GeneDx
Classification: Uncertain significance. Last evaluated: 2023-06-30. Review status: criteria provided, single submitter. Criteria: GeneDx Variant Classification Process June 2021. Collection method: clinical testing. Allele origin: germline. Affected: yes.
Comment: Not observed at significant frequency in large population cohorts (gnomAD); In silico analysis supports that this missense variant has a deleterious effect on protein structure/function; Has not been previously published as pathogenic or benign to our knowledge